The following is an entry in ClinVar:

ClinVar aggregate classification (germline): Uncertain significance. Review status: criteria provided, multiple submitters, no conflicts (2 of 4 stars). 4 submissions from 4 submitters: Uncertain significance (4). Last evaluated 2024-11-28.

Conditions:
Fetal akinesia deformation sequence 1 (FADS1). Also called: Pena-Shokeir syndrome type I; Fetal akinesia sequence. Identifiers: Orphanet 994, MedGen C1276035, MONDO:0100101, OMIM 208150, HP:0001989.
Congenital myasthenic syndrome 10. Also called: Myasthenia, limb-girdle, familial. Identifiers: Orphanet 590, MedGen C1850792, MONDO:0009690, OMIM 254300.
Fetal akinesia deformation sequence 3. Identifiers: MedGen C4760599, MONDO:0100103, OMIM 618389.

Allele frequency attached by ClinVar (database versions not stated): gnomAD 0.00007 and 0.00008; gnomAD exomes 0.00011; TOPMed 0.00013; ExAC 0.00017.
gnomAD v4.1: 66 of 1,575,436 alleles (0.0042%); highest among the groups gnomAD compares: Admixed American, 0.033%; no homozygotes.

Submissions (4):

Victorian Clinical Genetics Services, Murdoch Childrens Research Institute
Classification: Uncertain significance for Fetal akinesia deformation sequence 3. Last evaluated: 2024-11-28. Review status: criteria provided, single submitter. Criteria: ACMG Guidelines, 2015. Collection method: clinical testing. Allele origin: germline. Affected: yes.
Comment: This variant is classified as VUS-3B. Evidence in support of pathogenic classification: Variant is present in gnomAD <0.01 for a recessive condition (v4: 66 heterozygote(s), 0 homozygote(s)). Evidence in support of benign classification: Missense variant consistently predicted to be tolerated by in silico tool or not conserved in placental mammals with a minor amino acid change. Additional information: Variant is predicted to result in a missense amino acid change from valine to methionine; This variant is homozygous; This gene is associated with autosomal recessive disease; Previous evidence of pathogenicity for this variant is inconclusive. It has been classified as a variant of uncertain significance by clinical laboratories (ClinVar); No published segregation evidence has been identified for this variant; No published functional evidence has been identified for this variant; No comparable missense variants have previous evidence for pathogenicity; Variant is not located in an established domain, motif, hotspot or informative constraint region; Loss of function is a known mechanism of disease in this gene and is associated with fetal akinesia deformation sequence 3 (MIM#618389) and congenital myasthenic syndrome 10 (MIM#254300).

Mayo Clinic Laboratories, Mayo Clinic
Classification: Uncertain significance. Last evaluated: 2024-05-16. Review status: criteria provided, single submitter. Criteria: ACMG Guidelines, 2015. Collection method: clinical testing. Allele origin: germline. Observed: 1 variant allele.
Comment: BP4

Labcorp Genetics (formerly Invitae), Labcorp
Classification: Uncertain significance for Congenital myasthenic syndrome 10; Fetal akinesia deformation sequence 1. Last evaluated: 2022-08-16. Review status: criteria provided, single submitter. Criteria: Invitae Variant Classification Sherloc (09022015). Collection method: clinical testing. Allele origin: germline.
Comment: This sequence change replaces valine, which is neutral and non-polar, with methionine, which is neutral and non-polar, at codon 362 of the DOK7 protein (p.Val362Met). This variant is present in population databases (rs760157322, gnomAD 0.03%). This variant has not been reported in the literature in individuals affected with DOK7-related conditions. ClinVar contains an entry for this variant (Variation ID: 568767). Algorithms developed to predict the effect of missense changes on protein structure and function output the following: SIFT: "Deleterious"; PolyPhen-2: "Benign"; Align-GVGD: "Class C0". The methionine amino acid residue is found in multiple mammalian species, which suggests that this missense change does not adversely affect protein function. In summary, the available evidence is currently insufficient to determine the role of this variant in disease. Therefore, it has been classified as a Variant of Uncertain Significance.

Revvity Omics, Revvity
Classification: Uncertain significance. Last evaluated: 2019-06-06. Review status: criteria provided, single submitter. Criteria: ACMG Guidelines, 2015. Collection method: clinical testing. Allele origin: germline.

NM_173660.5(DOK7):c.1084G>A (p.Val362Met)

Gene: DOK7 (docking protein 7; plus strand). Cytogenetic location: 4p16.3.
Variant type: single nucleotide variant.
Coding change: c.1084G>A on transcript NM_173660.5 (MANE Select); coding-DNA position 1084, G replaced by A.
Protein change: p.Val362Met; replaces valine 362 with methionine.
Molecular consequence: missense variant. On other transcripts: 3 prime UTR variant (1).
Genome position (GRCh38, 1-based): chr4:3,493,070, G>A. VCF-style: chr4-3493070-G-A. GRCh37 (hg19) VCF-style: chr4-3494797-G-A.
Other names: p.Val362Met; c.*305G>A (NM_001164673.2); c.154G>A, p.Val52Met (NM_001256896.2); c.1084G>A, p.Val362Met (NM_001301071.2); c.652G>A, p.Val218Met (NM_001363811.2); short protein forms V362M, V218M, V52M.
Identifiers: ClinVar variation 568767 (VCV000568767.11), dbSNP rs760157322, ClinGen allele CA2829354.